The following is an entry in ClinVar:

ClinVar aggregate classification (germline): Uncertain significance (1 of 4 stars; one submission).

Conditions:
Cardiovascular phenotype. Identifiers: MedGen CN230736.

gnomAD v4.1: 4 of 1,613,744 alleles (0.00025%); highest among the groups gnomAD compares: Non-Finnish European, 0.00034%; no homozygotes.

Submission:

Ambry Genetics
Classification: Uncertain significance for Cardiovascular phenotype. Last evaluated: 2026-04-20. Review status: criteria provided, single submitter. Criteria: Ambry Variant Classification Scheme 2023. Collection method: clinical testing. Allele origin: germline.
Comment: The p.G1499V variant (also known as c.4496G>T), located in coding exon 17 of the AKAP9 gene, results from a G to T substitution at nucleotide position 4496. The glycine at codon 1499 is replaced by valine, an amino acid with dissimilar properties. This amino acid position is conserved. In addition, this alteration is predicted to be tolerated by in silico analysis. Based on the available evidence, the clinical significance of this variant remains unclear.

NM_005751.5(AKAP9):c.4496G>T (p.Gly1499Val)

Gene: AKAP9 (A-kinase anchoring protein 9; plus strand). Cytogenetic location: 7q21.2.
Variant type: single nucleotide variant.
Coding change: c.4496G>T on transcript NM_005751.5 (MANE Select); coding-DNA position 4496, G replaced by T.
Protein change: p.Gly1499Val; replaces glycine 1499 with valine.
Molecular consequence: missense variant.
Genome position (GRCh38, 1-based): chr7:92,038,576, G>T. VCF-style: chr7-92038576-G-T. GRCh37 (hg19) VCF-style: chr7-91667890-G-T.
Other names: c.4496G>T, p.Gly1499Val (NM_147185.3); short protein forms G1499V.
Identifiers: ClinVar variation 4868990 (VCV004868990.1).